The following is an entry in ClinVar:

ClinVar aggregate classification (germline): Benign. Review status: criteria provided, multiple submitters, no conflicts (2 of 4 stars). 3 submissions from 3 submitters: Benign (2). 1 of the submissions does not count toward it. Last evaluated 2015-03-03.

Conditions:
Hyperimmunoglobulin D with periodic fever (HIDS). Also called: HYPERIMMUNOGLOBULINEMIA D AND PERIODIC FEVER SYNDROME; Hyperimmunoglobulinemia D; Hyperimmunoglobulinemia D with periodic fever. Identifiers: Orphanet 343, MedGen C0398691, MONDO:0009849, OMIM 260920.

Allele frequency attached by ClinVar (database versions not stated): gnomAD 0.00328 and 0.00367; TOPMed 0.00328; 1000 Genomes Project 0.00379; 1000 Genomes Project 30x 0.00406.
gnomAD v4.1: 553 of 152,200 alleles (0.36%); highest among the groups gnomAD compares: South Asian, 1.2%; 3 homozygotes.

Submissions (3):

GeneDx
Classification: Benign. Last evaluated: 2015-03-03. Review status: criteria provided, single submitter. Criteria: GeneDx Variant Classification Process June 2021. Collection method: clinical testing. Allele origin: germline. Affected: yes.

Breakthrough Genomics
Classification: Benign. Review status: criteria provided, single submitter. Criteria: ACMG Guidelines, 2015. Collection method: not provided. Allele origin: germline. Inheritance: Autosomal recessive inheritance. Affected: yes.

Unité médicale des maladies autoinflammatoires, CHRU Montpellier
No classification provided. Condition: Hyperimmunoglobulin D with periodic fever. Review status: no classification provided. Collection method: not provided. Allele origin: unknown. Not counted in ClinVar's aggregate classification.
Comment: also involved in OMIM 25117

NM_000431.4(MVK):c.78+177G>A

Gene: MVK (mevalonate kinase; plus strand). Cytogenetic location: 12q24.11.
Variant type: single nucleotide variant.
Coding change: c.78+177G>A on transcript NM_000431.4 (MANE Select); 177 bases into the intron after coding-DNA position 78, G replaced by A.
Molecular consequence: intron variant.
Genome position (GRCh38, 1-based): chr12:109,575,077, G>A. VCF-style: chr12-109575077-G-A. GRCh37 (hg19) VCF-style: chr12-110012882-G-A.
Other names: c.78+177G>A (NM_001301182.2, NM_001114185.3).
Identifiers: ClinVar variation 97622 (VCV000097622.5), dbSNP rs104895343, ClinGen allele CA149896.